The following is an entry in ClinVar:

NM_000216.4(ANOS1):c.1843-1G>A

Gene: ANOS1 (anosmin 1; minus strand). Cytogenetic location: Xp22.31.
Variant type: single nucleotide variant.
Coding change: c.1843-1G>A on transcript NM_000216.4 (MANE Select); the canonical splice acceptor site of the intron before coding-DNA position 1843, G replaced by A.
Molecular consequence: splice acceptor variant.
Genome position (GRCh38, 1-based): chrX:8,534,461, C>T on the plus strand (G>A on the coding strand, the complement: ANOS1 is on the minus strand). VCF-style: chrX-8534461-C-T. GRCh37 (hg19) VCF-style: chrX-8502502-C-T.
Identifiers: ClinVar variation 3903158 (VCV003903158.1).

ClinVar aggregate classification (germline): Likely pathogenic (1 of 4 stars; one submission).

Submission:

GeneDx
Classification: Likely pathogenic. Last evaluated: 2024-12-10. Review status: criteria provided, single submitter. Criteria: GeneDx Variant Classification Process June 2021. Collection method: clinical testing. Allele origin: germline. Affected: yes.
Comment: Not observed at significant frequency in large population cohorts (gnomAD); Canonical splice site variant predicted to result in a null allele in a gene for which loss of function is a known mechanism of disease; This variant is associated with the following publications: (PMID: 25525159, 28780519, 8504298)